The following is an entry in ClinVar:

ClinVar aggregate classification (germline): Uncertain significance (1 of 4 stars; one submission).

Conditions:
Hypertrophic cardiomyopathy. Also called: HYPERTROPHIC MYOCARDIOPATHY. Identifiers: Orphanet 217569, MedGen C0007194, MeSH D002312, MONDO:0005045, HP:0001639.

Allele frequency attached by ClinVar (database versions not stated): TOPMed below 0.00001; ExAC 0.00001; gnomAD exomes 0.00002.

Submission:

Labcorp Genetics (formerly Invitae), Labcorp
Classification: Uncertain significance for Hypertrophic cardiomyopathy. Last evaluated: 2025-02-27. Review status: criteria provided, single submitter. Criteria: Invitae Variant Classification Sherloc (09022015). Collection method: clinical testing. Allele origin: germline.
Comment: This sequence change creates a premature translational stop signal (p.Glu1669Glyfs*11) in the MYOM1 gene. While this is not anticipated to result in nonsense mediated decay, it is expected to disrupt the last 17 amino acid(s) of the MYOM1 protein. This variant is present in population databases (rs747369143, gnomAD 0.009%). This variant has not been reported in the literature in individuals affected with MYOM1-related conditions. ClinVar contains an entry for this variant (Variation ID: 1361245). Algorithms developed to predict the effect of sequence changes on RNA splicing suggest that this variant may create or strengthen a splice site. In summary, the available evidence is currently insufficient to determine the role of this variant in disease. Therefore, it has been classified as a Variant of Uncertain Significance.

NM_003803.4(MYOM1):c.5005_5006insGT (p.Glu1669fs)

Gene: MYOM1 (myomesin 1; minus strand). Cytogenetic location: 18p11.31.
Variant type: Insertion.
Coding change: c.5005_5006insGT on transcript NM_003803.4 (MANE Select); coding-DNA positions 5005 to 5006, GT inserted.
Protein change: p.Glu1669fs; shifts the reading frame from glutamic acid 1669.
Molecular consequence: frameshift variant.
Genome position: GRCh38 VCF-style: chr18-3067314-T-TAC. GRCh37 (hg19) VCF-style: chr18-3067312-T-TAC.
Other names: c.4717_4718insGT, p.Glu1573fs (NM_019856.2); short protein forms E1669fs, E1573fs.
Identifiers: ClinVar variation 1361245 (VCV001361245.8), dbSNP rs747369143, ClinGen allele CA8873699.